The following is an entry in ClinVar:

NM_001017420.3(ESCO2):c.793dup (p.Val265fs)

Gene: ESCO2 (establishment of sister chromatid cohesion N-acetyltransferase 2; plus strand). Cytogenetic location: 8p21.1.
Variant type: Duplication.
Coding change: c.793dup on transcript NM_001017420.3 (MANE Select); coding-DNA position 793, one base duplicated (G; older notation c.793dupG).
Protein change: p.Val265fs; shifts the reading frame from valine 265.
Molecular consequence: frameshift variant.
Genome position (GRCh38, 1-based): chr8:27,777,101, G duplicated; the last of 2 consecutive G bases (chr8:27,777,100-27,777,101); duplicating either gives the same sequence. VCF-style (leftmost placement, unchanged base first): chr8-27777099-T-TG. GRCh37 (hg19) VCF-style: chr8-27634616-T-TG.
Other names: short protein forms V265fs.
Identifiers: ClinVar variation 2707263 (VCV002707263.3), dbSNP rs2486629241, ClinGen allele CA2697549788.

ClinVar aggregate classification (germline): Pathogenic (1 of 4 stars; one submission).

Submission:

Labcorp Genetics (formerly Invitae), Labcorp
Classification: Pathogenic. Last evaluated: 2024-01-14. Review status: criteria provided, single submitter. Criteria: Invitae Variant Classification Sherloc (09022015). Collection method: clinical testing. Allele origin: germline.
Comment: This sequence change creates a premature translational stop signal (p.Val265Glyfs*16) in the ESCO2 gene. It is expected to result in an absent or disrupted protein product. Loss-of-function variants in ESCO2 are known to be pathogenic (PMID: 15821733, 16380922). This variant is not present in population databases (gnomAD no frequency). This variant has not been reported in the literature in individuals affected with ESCO2-related conditions. For these reasons, this variant has been classified as Pathogenic.

Literature cited by the submitters: PubMed 15821733; PubMed 16380922.